The following is an entry in ClinVar:

ClinVar aggregate classification (germline): Uncertain significance. Review status: criteria provided, multiple submitters, no conflicts (2 of 4 stars). 2 submissions from 2 submitters: Uncertain significance (2). Last evaluated 2024-08-25.

Conditions:
Type 2 diabetes mellitus. Also called: Type II diabetes mellitus. Identifiers: MedGen C0011860, MeSH D003924, MONDO:0005148, OMIM 125853, HP:0005978.
Leucine-induced hypoglycemia (LIH). Also called: LEUCINE-SENSITIVE HYPOGLYCEMIA OF INFANCY. Identifiers: MedGen C0271714, MONDO:0009415, OMIM 240800.
Diabetes mellitus, permanent neonatal 3. Also called: ABCC8-Related Permanent Neonatal Diabetes Mellitus. Identifiers: MedGen C5394303, MONDO:0030088, OMIM 618857.
Diabetes mellitus, transient neonatal, 2 (TNDM2). Identifiers: Orphanet 99886, MedGen C1835887, MONDO:0012480, OMIM 610374. Disease mechanism: loss of function.
Hyperinsulinemic hypoglycemia, familial, 1 (HHF1). Also called: NESIDIOBLASTOSIS OF PANCREAS; Persistent hyperinsulinemic hypoglycemia of infancy; HYPERINSULINISM, FAMILIAL, WITH PANCREATIC NESIDIOBLASTOSIS; HYPOGLYCEMIA, HYPERINSULINEMIC, OF INFANCY; Persistent Hyperinsulinemia Hypoglycemia of Infancy. Identifiers: Orphanet 276575, Orphanet 276598, MedGen C2931832, MONDO:0009734, OMIM 256450.

Submissions (2):

Labcorp Genetics (formerly Invitae), Labcorp
Classification: Uncertain significance. Last evaluated: 2024-08-25. Review status: criteria provided, single submitter. Criteria: Invitae Variant Classification Sherloc (09022015). Collection method: clinical testing. Allele origin: germline.
Comment: This sequence change replaces alanine, which is neutral and non-polar, with serine, which is neutral and polar, at codon 726 of the ABCC8 protein (p.Ala726Ser). This variant is not present in population databases (gnomAD no frequency). This variant has not been reported in the literature in individuals affected with ABCC8-related conditions. Invitae Evidence Modeling of protein sequence and biophysical properties (such as structural, functional, and spatial information, amino acid conservation, physicochemical variation, residue mobility, and thermodynamic stability) has been performed for this missense variant. However, the output from this modeling did not meet the statistical confidence thresholds required to predict the impact of this variant on ABCC8 protein function. In summary, the available evidence is currently insufficient to determine the role of this variant in disease. Therefore, it has been classified as a Variant of Uncertain Significance.

Fulgent Genetics
Classification: Uncertain significance for Type 2 diabetes mellitus; Leucine-induced hypoglycemia; Hyperinsulinemic hypoglycemia, familial, 1; Diabetes mellitus, transient neonatal, 2; Diabetes mellitus, permanent neonatal 3. Last evaluated: 2024-03-28. Review status: criteria provided, single submitter. Criteria: ACMG Guidelines, 2015. Collection method: clinical testing. Allele origin: germline.

NM_000352.6(ABCC8):c.2176G>T (p.Ala726Ser)

Gene: ABCC8 (ATP binding cassette subfamily C member 8; minus strand). Cytogenetic location: 11p15.1.
Variant type: single nucleotide variant.
Coding change: c.2176G>T on transcript NM_000352.6 (MANE Select); coding-DNA position 2176, G replaced by T.
Protein change: p.Ala726Ser; replaces alanine 726 with serine.
Molecular consequence: missense variant. On other transcripts: non-coding transcript variant (1).
Genome position (GRCh38, 1-based): chr11:17,427,095, C>A on the plus strand (G>T on the coding strand, the complement: ABCC8 is on the minus strand). VCF-style: chr11-17427095-C-A. GRCh37 (hg19) VCF-style: chr11-17448642-C-A.
Other names: c.2176G>T, p.Ala726Ser (NM_001287174.3); c.2242G>T, p.Ala748Ser (NM_001351295.2); c.2173G>T, p.Ala725Ser (NM_001351296.2, NM_001351297.2); short protein forms A725S, A726S, A748S.
Identifiers: ClinVar variation 3599374 (VCV003599374.2).